The following is an entry in ClinVar:

NM_198053.3(CD247):c.250G>C (p.Asp84His)

Gene: CD247 (CD247 molecule; minus strand). Cytogenetic location: 1q24.2.
Variant type: single nucleotide variant.
Coding change: c.250G>C on transcript NM_198053.3 (MANE Select); coding-DNA position 250, G replaced by C.
Protein change: p.Asp84His; replaces aspartic acid 84 with histidine.
Molecular consequence: missense variant.
Genome position (GRCh38, 1-based): chr1:167,438,620, C>G on the plus strand (G>C on the coding strand, the complement: CD247 is on the minus strand). VCF-style: chr1-167438620-C-G. GRCh37 (hg19) VCF-style: chr1-167407857-C-G.
Other names: c.250G>C, p.Asp84His (NM_000734.4); c.343G>C, p.Asp115His (NM_001378515.1, NM_001378516.1); short protein forms D84H, D115H.
Identifiers: ClinVar variation 581037 (VCV000581037.5), dbSNP rs753572867, ClinGen allele CA343462655.
Genomic context (GRCh38, chr1:167,438,620, plus strand): 5'-GAACCCCTACCGGCTTTCCCCCCATCTCAGGGTCCCGGCCACGTCTCTTGTCCAAAACAT[C>G]GTACTCCTCTCTTCGTCCTAGATTGAGCTCCTATAACAGATAAGAAAGTGTCAGACACAG-3'
Protein context (NP_932170.1, residues 74-94): ELNLGRREEY[Asp84His]VLDKRRGRDP

ClinVar aggregate classification (germline): Uncertain significance (1 of 4 stars; one submission).

Conditions:
Immunodeficiency 25. Also called: Immunodeficiency due to defect in cd3-zeta, somatic. Identifiers: MedGen C1857798, MONDO:0012426, OMIM 610163.

Allele frequency attached by ClinVar (database versions not stated): TOPMed 0.00001; gnomAD 0.00002.
gnomAD v4.1: 17 of 1,613,956 alleles (0.0011%); highest among the groups gnomAD compares: Non-Finnish European, 0.0014%; no homozygotes.

Submission:

Labcorp Genetics (formerly Invitae), Labcorp
Classification: Uncertain significance for Immunodeficiency 25. Last evaluated: 2022-07-15. Review status: criteria provided, single submitter. Criteria: Invitae Variant Classification Sherloc (09022015). Collection method: clinical testing. Allele origin: germline.
Comment: This variant is present in population databases (no rsID available, gnomAD 0.0008%). This sequence change replaces aspartic acid, which is acidic and polar, with histidine, which is basic and polar, at codon 84 of the CD247 protein (p.Asp84His). This variant has not been reported in the literature in individuals affected with CD247-related conditions. In summary, the available evidence is currently insufficient to determine the role of this variant in disease. Therefore, it has been classified as a Variant of Uncertain Significance. Algorithms developed to predict the effect of missense changes on protein structure and function are either unavailable or do not agree on the potential impact of this missense change (SIFT: "Deleterious"; PolyPhen-2: "Probably Damaging"; Align-GVGD: "Class C0"). ClinVar contains an entry for this variant (Variation ID: 581037).